The following is an entry in ClinVar:

ClinVar aggregate classification (germline): Uncertain significance (1 of 4 stars; one submission).

Conditions:
Hereditary spastic paraplegia 11. Also called: Spastic paraplegia, mental retardation and thin corpus callosum; SPASTIC PARAPLEGIA, AUTOSOMAL RECESSIVE, COMPLICATED, WITH THIN CORPUS CALLOSUM; SPASTIC PARAPLEGIA, AUTOSOMAL RECESSIVE, WITH MENTAL IMPAIRMENT AND THIN CORPUS CALLOSUM; Spastic Paraplegia 11; Nakamura Osame syndrome; Autosomal recessive hereditary spastic paraplegia, mental impairment, and thin corpus callosum. Identifiers: Orphanet 2822, MedGen C1858479, MONDO:0011445, OMIM 604360.

Submission:

Labcorp Genetics (formerly Invitae), Labcorp
Classification: Uncertain significance for Spastic paraplegia 11, autosomal recessive. Last evaluated: 2018-05-03. Review status: criteria provided, single submitter. Criteria: Invitae Variant Classification Sherloc (09022015). Collection method: clinical testing. Allele origin: germline.
Comment: This variant is an in-frame deletion of the genomic region encompassing exon 11 of the SPG11 gene. It preserves the integrity of the reading frame. This variant has been observed in combination with another variant in an individual affected with hereditary spastic paraplegia (PMID: 2795747). In summary, the available evidence is currently insufficient to determine the role of this variant in disease. Therefore, it has been classified as a Variant of Uncertain Significance.

Literature cited by the submitters: PubMed 2795747.

NC_000015.10:g.(?_44626311)_(44626527_?)del

Gene: SPG11 (SPG11 vesicle trafficking associated, spatacsin; minus strand). Cytogenetic location: 15q21.1.
Variant type: Deletion.
Identifiers: ClinVar variation 583444 (VCV000583444.1).